The following is an entry in ClinVar:

ClinVar aggregate classification (germline): Benign. Review status: criteria provided, multiple submitters, no conflicts (2 of 4 stars). 4 submissions from 4 submitters: Benign (3). 1 of the submissions does not count toward it. Last evaluated 2026-02-01.

Conditions:
TRAPPC12-related disorder. Also called: TRAPPC12-related condition.

Allele frequency attached by ClinVar (database versions not stated): gnomAD exomes 0.10772; 1000 Genomes Project 0.12320; 1000 Genomes Project 30x 0.12539; gnomAD 0.14150 and 0.14687; TOPMed 0.14865; ESP Exome Variant Server 0.15777.
gnomAD v4.1: 196,978 of 1,613,984 alleles (12%); highest among the groups gnomAD compares: African/African-American, 22%; 13,194 homozygotes.

Submissions (4):

Labcorp Genetics (formerly Invitae), Labcorp
Classification: Benign. Last evaluated: 2026-02-01. Review status: criteria provided, single submitter. Criteria: Invitae Variant Classification Sherloc (09022015). Collection method: clinical testing. Allele origin: germline.

Blueprint Genetics
Classification: Benign. Last evaluated: 2024-11-26. Review status: criteria provided, single submitter. Criteria: ACMG Guidelines, 2015. Collection method: clinical testing. Allele origin: germline.

Breakthrough Genomics
Classification: Benign. Review status: criteria provided, single submitter. Criteria: ACMG Guidelines, 2015. Collection method: not provided. Allele origin: germline. Inheritance: Autosomal recessive inheritance. Affected: yes.

PreventionGenetics, part of Exact Sciences
Classification: Benign for TRAPPC12-related condition. Last evaluated: 2019-10-21. Review status: no assertion criteria provided. Collection method: clinical testing. Allele origin: germline. Not counted in ClinVar's aggregate classification.
Comment: This variant is classified as benign based on ACMG/AMP sequence variant interpretation guidelines (Richards et al. 2015 PMID: 25741868, with internal and published modifications).

NM_016030.6(TRAPPC12):c.2157C>T (p.Val719=)

Genes: TRAPPC12 (trafficking protein particle complex subunit 12; plus strand), TRAPPC12-AS1 (TRAPPC12 antisense RNA 1; minus strand). Cytogenetic location: 2p25.3.
Variant type: single nucleotide variant.
Coding change: c.2157C>T on transcript NM_016030.6 (MANE Select); coding-DNA position 2157, C replaced by T.
Protein change: p.Val719=; no amino-acid change (valine 719 retained).
Molecular consequence: synonymous variant.
Genome position (GRCh38, 1-based): chr2:3,479,410, C>T. VCF-style: chr2-3479410-C-T. GRCh37 (hg19) VCF-style: chr2-3483181-C-T.
Other names: c.2157C>T, p.Val719= (NM_001321102.2); c.2157C>T (NM_016030.5).
Identifiers: ClinVar variation 1600070 (VCV001600070.12), dbSNP rs13986, ClinGen allele CA1515792.